The following is an entry in ClinVar:

ClinVar aggregate classification (germline): Uncertain significance (1 of 4 stars; one submission).

Conditions:
Long QT syndrome (LQTS). Identifiers: MedGen C0023976, MeSH D008133, MONDO:0002442. Disease mechanism: loss of function. Inheritance: Various modes of inheritance.

Submission:

Labcorp Genetics (formerly Invitae), Labcorp
Classification: Uncertain significance for Long QT syndrome. Last evaluated: 2024-12-20. Review status: criteria provided, single submitter. Criteria: Invitae Variant Classification Sherloc (09022015). Collection method: clinical testing. Allele origin: germline.
Comment: This sequence change replaces histidine, which is basic and polar, with tyrosine, which is neutral and polar, at codon 254 of the KCNH2 protein (p.His254Tyr). This variant is not present in population databases (gnomAD no frequency). This variant has not been reported in the literature in individuals affected with KCNH2-related conditions. An algorithm developed to predict the effect of missense changes on protein structure and function (PolyPhen-2) suggests that this variant is likely to be tolerated. In summary, the available evidence is currently insufficient to determine the role of this variant in disease. Therefore, it has been classified as a Variant of Uncertain Significance.

NM_000238.4(KCNH2):c.760C>T (p.His254Tyr)

Gene: KCNH2 (potassium voltage-gated channel subfamily H member 2; minus strand). Cytogenetic location: 7q36.1.
Variant type: single nucleotide variant.
Coding change: c.760C>T on transcript NM_000238.4 (MANE Select); coding-DNA position 760, C replaced by T.
Protein change: p.His254Tyr; replaces histidine 254 with tyrosine.
Molecular consequence: missense variant. On other transcripts: non-coding transcript variant (1).
Genome position (GRCh38, 1-based): chr7:150,958,215, G>A on the plus strand (C>T on the coding strand, the complement: KCNH2 is on the minus strand). VCF-style: chr7-150958215-G-A. GRCh37 (hg19) VCF-style: chr7-150655303-G-A.
Other names: c.760C>T, p.His254Tyr (NM_172056.3); c.472C>T, p.His158Tyr (NM_001406753.1, NM_001406756.1); c.583C>T, p.His195Tyr (NM_001406755.1); c.460C>T, p.His154Tyr (NM_001406757.1); short protein forms H154Y, H158Y, H195Y, H254Y.
Identifiers: ClinVar variation 3631658 (VCV003631658.2).
Genomic context (GRCh38, chr7:150,958,215, plus strand): 5'-CTCGGGAGCGCGTCCGGGCCAGGCTGCAGCTGGAGCCCGAGGCGTCGGGGTTGAGGCTGT[G>A]CGCCCGGGGCGATGGGAGCTGGCCGGGCGCGCTGCGGGGCGGAGAGCCGGGACCCACCAG-3'
Protein context (NP_000229.1, residues 244-264): APGQLPSPRA[His254Tyr]SLNPDASGSS